The following is an entry in ClinVar:

NM_020831.6(MRTFA):c.2197G>A (p.Glu733Lys)

Gene: MRTFA (myocardin related transcription factor A; minus strand). Cytogenetic location: 22q13.1.
Variant type: single nucleotide variant.
Coding change: c.2197G>A on transcript NM_020831.6 (MANE Select); coding-DNA position 2197, G replaced by A.
Protein change: p.Glu733Lys; replaces glutamic acid 733 with lysine.
Molecular consequence: missense variant.
Genome position (GRCh38, 1-based): chr22:40,418,541, C>T on the plus strand (G>A on the coding strand, the complement: MRTFA is on the minus strand). VCF-style: chr22-40418541-C-T. GRCh37 (hg19) VCF-style: chr22-40814545-C-T.
Other names: c.1897G>A, p.Glu633Lys (NM_001282660.2); c.2047G>A, p.Glu683Lys (NM_001282661.3); c.2197G>A, p.Glu733Lys (NM_001282662.3); c.2002G>A, p.Glu668Lys (NM_001318139.2); c.1897G>A (NM_020831.4); short protein forms E633K, E668K, E683K, E733K.
Identifiers: ClinVar variation 1078252 (VCV001078252.11), dbSNP rs186548971, ClinGen allele CA10249426.

ClinVar aggregate classification (germline): Likely benign. Review status: criteria provided, single submitter (1 of 4 stars). 2 submissions from 2 submitters: Likely benign (1). 1 of the submissions does not count toward it. Last evaluated 2025-12-16.

Conditions:
MRTFA-related disorder. Also called: MRTFA-related condition.

Allele frequency attached by ClinVar (database versions not stated): gnomAD 0.00025 and 0.00033; TOPMed 0.00025; gnomAD exomes 0.00030 and 0.00059; ExAC 0.00050; 1000 Genomes Project 30x 0.00125; 1000 Genomes Project 0.00140.
gnomAD v4.1: 475 of 1,583,348 alleles (0.03%); highest among the groups gnomAD compares: East Asian, 0.71%; 1 homozygote.

Submissions (2):

Labcorp Genetics (formerly Invitae), Labcorp
Classification: Likely benign. Last evaluated: 2025-12-16. Review status: criteria provided, single submitter. Criteria: Invitae Variant Classification Sherloc (09022015). Collection method: clinical testing. Allele origin: germline.

PreventionGenetics, part of Exact Sciences
Classification: Likely benign for MRTFA-related condition. Last evaluated: 2019-10-28. Review status: no assertion criteria provided. Collection method: clinical testing. Allele origin: germline. Not counted in ClinVar's aggregate classification.
Comment: This variant is classified as likely benign based on ACMG/AMP sequence variant interpretation guidelines (Richards et al. 2015 PMID: 25741868, with internal and published modifications).